The following is an entry in ClinVar:

ClinVar aggregate classification (germline): Pathogenic/Likely pathogenic. Review status: criteria provided, multiple submitters, no conflicts (2 of 4 stars). 2 submissions from 2 submitters: Pathogenic (1); Likely pathogenic (1). Last evaluated 2021-09-02.

Conditions:
Spermatogenic failure 18. Identifiers: MedGen C4539783, MONDO:0054615, OMIM 617576.
Ciliary dyskinesia, primary, 37 (CILD37). Also called: CILIARY DYSKINESIA, PRIMARY, 37, WITH OR WITHOUT SITUS INVERSUS. Identifiers: MedGen C4539798, MONDO:0033204, OMIM 617577.

Allele frequency attached by ClinVar (database versions not stated): TOPMed below 0.00001; gnomAD 0.00001; gnomAD exomes 0.00001 and 0.00003.
gnomAD v4.1: 50 of 1,613,848 alleles (0.0031%); highest among the groups gnomAD compares: Non-Finnish European, 0.004%; no homozygotes.

Submissions (2):

Labcorp Genetics (formerly Invitae), Labcorp
Classification: Pathogenic for Ciliary dyskinesia, primary, 37; Spermatogenic failure 18. Last evaluated: 2021-09-02. Review status: criteria provided, single submitter. Criteria: Invitae Variant Classification Sherloc (09022015). Collection method: clinical testing. Allele origin: germline.
Comment: This sequence change creates a premature translational stop signal (p.Gln1258*) in the DNAH1 gene. It is expected to result in an absent or disrupted protein product. Loss-of-function variants in DNAH1 are known to be pathogenic (PMID: 27573432, 27798045). This variant is not present in population databases (ExAC no frequency). This variant has not been reported in the literature in individuals affected with DNAH1-related conditions. For these reasons, this variant has been classified as Pathogenic.

HudsonAlpha Institute for Biotechnology
Classification: Likely pathogenic for Ciliary dyskinesia, primary, 37. Last evaluated: 2021-03-29. Review status: criteria provided, single submitter. Criteria: ACMG Guidelines, 2015. Collection method: research. Allele origin: unknown. Affected: yes. Observed: 1 variant allele. Study: HudsonAlpha-AGHI-WGS.
Comment: ACMG codes:PVS1, PM2

Literature cited by the submitters: PubMed 27573432 (cited by Labcorp Genetics (formerly Invitae), Labcorp); PubMed 27798045 (cited by Labcorp Genetics (formerly Invitae), Labcorp).

NM_015512.5(DNAH1):c.3772C>T (p.Gln1258Ter)

Gene: DNAH1 (dynein axonemal heavy chain 1; plus strand). Cytogenetic location: 3p21.1.
Variant type: single nucleotide variant.
Coding change: c.3772C>T on transcript NM_015512.5 (MANE Select); coding-DNA position 3772, C replaced by T.
Protein change: p.Gln1258Ter; replaces glutamine 1258 with a stop codon.
Molecular consequence: nonsense.
Genome position (GRCh38, 1-based): chr3:52,356,692, C>T. VCF-style: chr3-52356692-C-T. GRCh37 (hg19) VCF-style: chr3-52390708-C-T.
Other names: short protein forms Q1258*.
Identifiers: ClinVar variation 1251942 (VCV001251942.7), dbSNP rs1415820936, ClinGen allele CA353120130.
Genomic context (GRCh38, chr3:52,356,692, plus strand): 5'-CTGAACTGTCAGCGGTCCTGGCTCTACCTGGAGCCCATCTTTAGCTCTGAGGACATCAAC[C>T]AGCAGCTGCCTGTGGAGAGCAAGCGCTACCAGACCATGGAGCGGATCTGGAAGAAGATCA-3'